The following is an entry in ClinVar:

NM_004562.3(PRKN):c.992del (p.Leu331fs)

Gene: PRKN (parkin RBR E3 ubiquitin protein ligase; minus strand). Cytogenetic location: 6q26.
Variant type: Deletion.
Coding change: c.992del on transcript NM_004562.3 (MANE Select); coding-DNA position 992, one base deleted (T; older notation c.992delT).
Protein change: p.Leu331fs; shifts the reading frame from leucine 331.
Molecular consequence: frameshift variant.
Genome position (GRCh38, 1-based): chr6:161,548,945, A deleted on the plus strand (T on the coding strand, the reverse complement: PRKN is on the minus strand); the first of 2 consecutive A bases (chr6:161,548,945-161,548,946); deleting either gives the same sequence. VCF-style (leftmost placement, unchanged base first): chr6-161548944-TA-T. GRCh37 (hg19) VCF-style: chr6-161969976-TA-T.
Other names: c.908del, p.Leu303fs (NM_013987.3); c.545del, p.Leu182fs (NM_013988.3); short protein forms L331fs, L303fs, L182fs.
Identifiers: ClinVar variation 817422 (VCV000817422.2), dbSNP rs1583215504, ClinGen allele CA915944802.
Genomic context (GRCh38, chr6:161,548,944, plus strand): 5'-GGTGACTTTCCTCTGGTCAGGCTCCGGCAGCAGCCCCGCTCCACAGCCAGGGCGGGGGCA[TA>T]ACACGCCCCCCATCTGCAGGACACACTCCTCTGCACCATACTGCTGGTACCGGTTGTACT-3'

ClinVar aggregate classification (germline): Likely pathogenic. Review status: criteria provided, multiple submitters, no conflicts (2 of 4 stars). 2 submissions from 2 submitters: Likely pathogenic (2). Last evaluated 2024-03-20.

Conditions:
Autosomal recessive juvenile Parkinson disease 2. Also called: PARKINSON DISEASE, JUVENILE, AUTOSOMAL RECESSIVE; PRKN-Related Early-Onset Parkinson Disease; Parkinson disease, juvenile, type 2; Parkinson disease autosomal recessive, early onset; Juvenile parkinsonism; Parkinsonism, early onset, with diurnal fluctuation. Identifiers: Orphanet 2828, MedGen C1868675, MONDO:0010820, OMIM 600116.
Lung cancer. Also called: Malignant tumor of lung; Lung cancer, somatic. Identifiers: MedGen C0242379, MONDO:0008903, OMIM 211980.
Ovarian cancer. Also called: OVARIAN CANCER, SOMATIC. Identifiers: Orphanet 213500, MedGen C1140680, MONDO:0008170, OMIM 167000.

Submissions (2):

Fulgent Genetics
Classification: Likely pathogenic for Ovarian cancer; Lung cancer; Autosomal recessive juvenile Parkinson disease 2. Last evaluated: 2024-03-20. Review status: criteria provided, single submitter. Criteria: ACMG Guidelines, 2015. Collection method: clinical testing. Allele origin: germline.

GeneDx
Classification: Likely pathogenic. Last evaluated: 2019-01-28. Review status: criteria provided, single submitter. Criteria: GeneDx Variant Classification (06012015). Collection method: clinical testing. Allele origin: germline. Affected: yes.
Comment: The c.992delT variant has not been published as a pathogenic variant, nor has it been reported as a benign variant to our knowledge. The c.992delT variant causes a frameshift starting with codon Leucine 331, changes this amino acid to a Tyrosine residue and creates a premature Stop codon at position 104 of the new reading frame, denoted p.Leu331TyrfsX104. This variant is predicted to cause loss of normal protein function through protein truncation, as the last 135 amino acid residues are replaced with 103 incorrect amino acids. Furthermore, the c.992delT variant is not observed in large population cohorts (Lek et al., 2016). Therefore, this variant is likely pathogenic; however, the possibility that it is benign cannot be excluded.